The following is an entry in ClinVar:

ClinVar aggregate classification (germline): Uncertain significance (1 of 4 stars; one submission).

Conditions:
Optic atrophy 3 (OPA3). Also called: OPTIC ATROPHY 3, AUTOSOMAL DOMINANT; Optic atrophy, cataract, and neurologic disorder; Optic atrophy 3 with cataract. Identifiers: Orphanet 67036, MedGen C1833809, MONDO:0008133, OMIM 165300.
3-Methylglutaconic aciduria type 3 (MGCA3). Also called: OPA3, AUTOSOMAL RECESSIVE; OPTIC ATROPHY 3, AUTOSOMAL RECESSIVE; OPA3-Related 3-Methylglutaconic Aciduria; Costeff Syndrome. Identifiers: Orphanet 67047, MedGen C0574084, MONDO:0009787, OMIM 258501.

gnomAD v4.1: 1 of 1,610,718 alleles (0.000062%); highest among the groups gnomAD compares: Non-Finnish European, 0.000085%; no homozygotes.

Submission:

Labcorp Genetics (formerly Invitae), Labcorp
Classification: Uncertain significance for 3-Methylglutaconic aciduria type 3; Optic atrophy 3. Last evaluated: 2024-03-07. Review status: criteria provided, single submitter. Criteria: Invitae Variant Classification Sherloc (09022015). Collection method: clinical testing. Allele origin: germline.
Comment: This sequence change replaces glutamine, which is neutral and polar, with arginine, which is basic and polar, at codon 108 of the OPA3 protein (p.Gln108Arg). This variant is not present in population databases (gnomAD no frequency). This variant has not been reported in the literature in individuals affected with OPA3-related conditions. An algorithm developed to predict the effect of missense changes on protein structure and function (PolyPhen-2) suggests that this variant is likely to be tolerated. In summary, the available evidence is currently insufficient to determine the role of this variant in disease. Therefore, it has been classified as a Variant of Uncertain Significance.

NM_025136.4(OPA3):c.323A>G (p.Gln108Arg)

Genes: OPA3-RTN2 (OPA3-RTN2 readthrough; minus strand), OPA3 (outer mitochondrial membrane lipid metabolism regulator OPA3; minus strand). Cytogenetic location: 19q13.32.
Variant type: single nucleotide variant.
Coding change: c.323A>G on transcript NM_025136.4 (MANE Select); coding-DNA position 323, A replaced by G.
Protein change: p.Gln108Arg; replaces glutamine 108 with arginine.
Molecular consequence: missense variant. On other transcripts: intron variant (1).
Genome position (GRCh38, 1-based): chr19:45,553,731, T>C on the plus strand (A>G on the coding strand, the complement: OPA3 is on the minus strand). VCF-style: chr19-45553731-T-C. GRCh37 (hg19) VCF-style: chr19-46056989-T-C.
Other names: c.143-24275A>G (NM_001017989.3); short protein forms Q108R.
Identifiers: ClinVar variation 3764027 (VCV003764027.2).